The following is an entry in ClinVar:

NM_001346754.2(PIGW):c.563G>C (p.Arg188Thr)

Genes: MYO19 (myosin XIX; minus strand), PIGW (phosphatidylinositol glycan anchor biosynthesis class W; plus strand). Cytogenetic location: 17q12.
Variant type: single nucleotide variant.
Coding change: c.563G>C on transcript NM_001346754.2 (MANE Select); coding-DNA position 563, G replaced by C.
Protein change: p.Arg188Thr; replaces arginine 188 with threonine.
Molecular consequence: missense variant.
Genome position (GRCh38, 1-based): chr17:36,537,664, G>C. VCF-style: chr17-36537664-G-C. GRCh37 (hg19) VCF-style: chr17-34893513-G-C.
Other names: c.563G>C, p.Arg188Thr (NM_001346755.2, NM_178517.5); short protein forms R188T.
Identifiers: ClinVar variation 2133370 (VCV002133370.1), dbSNP rs2510227290, ClinGen allele CA399162942.
Genomic context (GRCh38, chr17:36,537,664, plus strand): 5'-ATTTTGGAGTAGGTGGCTTTGTTTTTGGGTCTGCAATGGTTTGTCTAGAGGTCAGGAGGA[G>C]AAAATATATGGAAGGGTCCAAATTGCATTACTTTACAAACTCATTGTACTCTGTTTGGCC-3'
Protein context (NP_001333683.1, residues 178-198): SAMVCLEVRR[Arg188Thr]KYMEGSKLHY

ClinVar aggregate classification (germline): Uncertain significance (1 of 4 stars; one submission).

Conditions:
Hyperphosphatasia with intellectual disability syndrome 5 (GPIBD11). Also called: GLYCOSYLPHOSPHATIDYLINOSITOL BIOSYNTHESIS DEFECT 11. Identifiers: Orphanet 247262, MedGen C4014958, MONDO:0014457, OMIM 616025.

Submission:

Labcorp Genetics (formerly Invitae), Labcorp
Classification: Uncertain significance for Hyperphosphatasia with intellectual disability syndrome 5. Last evaluated: 2022-08-22. Review status: criteria provided, single submitter. Criteria: Invitae Variant Classification Sherloc (09022015). Collection method: clinical testing. Allele origin: germline.
Comment: This sequence change replaces arginine, which is basic and polar, with threonine, which is neutral and polar, at codon 188 of the PIGW protein (p.Arg188Thr). This variant is not present in population databases (gnomAD no frequency). This variant has not been reported in the literature in individuals affected with PIGW-related conditions. Algorithms developed to predict the effect of missense changes on protein structure and function (SIFT, PolyPhen-2, Align-GVGD) all suggest that this variant is likely to be tolerated. In summary, the available evidence is currently insufficient to determine the role of this variant in disease. Therefore, it has been classified as a Variant of Uncertain Significance.